The following is an entry in ClinVar:

NC_000001.10:g.(?_46655193)_(46661449_?)del

Gene: POMGNT1 (protein O-linked mannose N-acetylglucosaminyltransferase 1 (beta 1,2-); minus strand). Cytogenetic location: 1p34.1.
Variant type: Deletion.
Identifiers: ClinVar variation 2426346 (VCV002426346.6).

ClinVar aggregate classification (germline): Pathogenic (1 of 4 stars; one submission).

Conditions:
Muscular dystrophy-dystroglycanopathy (congenital with impaired intellectual development), type B, 3. Also called: Muscular dystrophy-dystroglycanopathy (congenital with intellectual disability), type B3; MUSCULAR DYSTROPHY, CONGENITAL, POMGNT1-RELATED. Identifiers: MedGen C3150412, MONDO:0013155, OMIM 613151.
Autosomal recessive limb-girdle muscular dystrophy type 2O. Also called: Limb-Girdle Muscular Dystrophy Type 3C; MUSCULAR DYSTROPHY-DYSTROGLYCANOPATHY (LIMB-GIRDLE), TYPE C, 3; MUSCULAR DYSTROPHY-DYSTROGLYCANOPATHY, LIMB-GIRDLE, POMGNT1-RELATED. Identifiers: Orphanet 206564, MedGen C3150417, MONDO:0013161, OMIM 613157.

Submission:

Labcorp Genetics (formerly Invitae), Labcorp
Classification: Pathogenic for Autosomal recessive limb-girdle muscular dystrophy type 2O; Muscular dystrophy-dystroglycanopathy (congenital with impaired intellectual development), type B, 3. Last evaluated: 2022-08-09. Review status: criteria provided, single submitter. Criteria: Invitae Variant Classification Sherloc (09022015). Collection method: clinical testing. Allele origin: germline.
Comment: For these reasons, this variant has been classified as Pathogenic. This variant disrupts a region of the POMGNT1 protein in which other variant(s) (p.Cys490Tyr) have been determined to be pathogenic (PMID: 15466003, 17030669, 17559086, 17878207, 21361872, 22323514, 24282183). This suggests that this is a clinically significant region of the protein, and that variants that disrupt it are likely to be disease-causing. This variant has not been reported in the literature in individuals affected with POMGNT1-related conditions. This variant results in the deletion of exons 7-20 and part of exon 21 (c.534+34_1832del) of the POMGNT1 gene. It is expected to disrupt RNA splicing. Variants that disrupt the donor or acceptor splice site typically lead to a loss of protein function (PMID: 16199547), and loss-of-function variants in POMGNT1 are known to be pathogenic (PMID: 19299310, 20816175, 21447391, 26908613, 27391550).

Literature cited by the submitters: PubMed 15466003; PubMed 17030669; PubMed 17559086; PubMed 17878207; PubMed 21361872; PubMed 22323514; PubMed 24282183; PubMed 16199547; PubMed 19299310; PubMed 20816175; PubMed 21447391; PubMed 26908613; PubMed 27391550.